The following is an entry in ClinVar:

NM_000038.6(APC):c.3739G>C (p.Ala1247Pro)

Gene: APC (APC regulator of Wnt signaling pathway; plus strand). Cytogenetic location: 5q22.2.
Variant type: single nucleotide variant.
Coding change: c.3739G>C on transcript NM_000038.6 (MANE Select); coding-DNA position 3739, G replaced by C.
Protein change: p.Ala1247Pro; replaces alanine 1247 with proline.
Molecular consequence: missense variant.
Genome position (GRCh38, 1-based): chr5:112,839,333, G>C. VCF-style: chr5-112839333-G-C. GRCh37 (hg19) VCF-style: chr5-112175030-G-C.
Other names: c.3739G>C, p.Ala1247Pro (NM_001127510.3, NM_001354895.2); c.3685G>C, p.Ala1229Pro (NM_001127511.3); c.3793G>C, p.Ala1265Pro (NM_001354896.2); c.3769G>C, p.Ala1257Pro (NM_001354897.2); c.3664G>C, p.Ala1222Pro (NM_001354898.2); c.3655G>C, p.Ala1219Pro (NM_001354899.2); c.3616G>C, p.Ala1206Pro (NM_001354900.2); c.3562G>C, p.Ala1188Pro (NM_001354901.2); and 5 more; short protein forms A1188P, A1219P, A1247P, A964P, A1121P, A1146P, A1222P, A1257P.
Identifiers: ClinVar variation 965055 (VCV000965055.12), dbSNP rs148223181, ClinGen allele CA16029537.

ClinVar aggregate classification (germline): Uncertain significance. Review status: criteria provided, multiple submitters, no conflicts (2 of 4 stars). 2 submissions from 2 submitters: Uncertain significance (2). Last evaluated 2025-11-06.

Conditions:
Hereditary cancer-predisposing syndrome. Also called: Hereditary neoplastic syndrome; Neoplastic Syndromes, Hereditary; Hereditary Cancer Syndrome; Tumor predisposition. Identifiers: Orphanet 140162, MedGen C0027672, MeSH D009386, MONDO:0015356.
Familial adenomatous polyposis 1 (FAP1). Also called: POLYPOSIS, ADENOMATOUS INTESTINAL; FAMILIAL ADENOMATOUS POLYPOSIS 1, ATTENUATED. Identifiers: MedGen C2713442, MONDO:0021056, OMIM 175100. Disease mechanism: loss of function.

gnomAD v4.1: 2 of 1,613,154 alleles (0.00012%); highest among the groups gnomAD compares: Non-Finnish European, 0.00017%; no homozygotes.

Submissions (2):

Ambry Genetics
Classification: Uncertain significance for Hereditary cancer-predisposing syndrome. Last evaluated: 2025-11-06. Review status: criteria provided, single submitter. Criteria: Ambry Variant Classification Scheme 2023. Collection method: clinical testing. Allele origin: germline.
Comment: The p.A1247P variant (also known as c.3739G>C), located in coding exon 15 of the APC gene, results from a G to C substitution at nucleotide position 3739. The alanine at codon 1247 is replaced by proline, an amino acid with highly similar properties. This amino acid position is not well conserved in available vertebrate species. In addition, in silico predictors for this gene do not accurately predict pathogenicity. Missense variants in APC are not a common cause of disease (Spier I et al. Genet Med. 2024 Feb;26(2):100992). Based on the available evidence, the clinical significance of this variant remains unclear.

Labcorp Genetics (formerly Invitae), Labcorp
Classification: Uncertain significance for Familial adenomatous polyposis 1. Last evaluated: 2019-10-09. Review status: criteria provided, single submitter. Criteria: Invitae Variant Classification Sherloc (09022015). Collection method: clinical testing. Allele origin: germline.
Comment: This sequence change replaces alanine with proline at codon 1247 of the APC protein (p.Ala1247Pro). The alanine residue is weakly conserved and there is a small physicochemical difference between alanine and proline. This variant is not present in population databases (ExAC no frequency). This variant has not been reported in the literature in individuals with APC-related conditions. Algorithms developed to predict the effect of missense changes on protein structure and function (SIFT, PolyPhen-2, Align-GVGD) all suggest that this variant is likely to be tolerated, but these predictions have not been confirmed by published functional studies and their clinical significance is uncertain. In summary, the available evidence is currently insufficient to determine the role of this variant in disease. Therefore, it has been classified as a Variant of Uncertain Significance.